The following is an entry in ClinVar:

ClinVar aggregate classification (germline): Uncertain significance (1 of 4 stars; one submission).

Conditions:
Methylmalonic acidemia with homocystinuria, type cblJ (MAHCJ). Also called: METHYLMALONIC ACIDURIA AND HOMOCYSTINURIA, cblJ TYPE. Identifiers: Orphanet 369955, MedGen C3553915, MONDO:0013925, OMIM 614857.

Allele frequency attached by ClinVar (database versions not stated): gnomAD exomes below 0.00001; gnomAD 0.00001; TOPMed 0.00001.
gnomAD v4.1: 7 of 1,613,650 alleles (0.00043%); highest among the groups gnomAD compares: African/African-American, 0.004%; no homozygotes.

Submission:

Labcorp Genetics (formerly Invitae), Labcorp
Classification: Uncertain significance for Methylmalonic acidemia with homocystinuria, type cblJ. Last evaluated: 2019-03-14. Review status: criteria provided, single submitter. Criteria: Invitae Variant Classification Sherloc (09022015). Collection method: clinical testing. Allele origin: germline.
Comment: In summary, the available evidence is currently insufficient to determine the role of this variant in disease. Therefore, it has been classified as a Variant of Uncertain Significance. Algorithms developed to predict the effect of missense changes on protein structure and function are either unavailable or do not agree on the potential impact of this missense change (SIFT: "Deleterious"; PolyPhen-2: "Probably Damaging"; Align-GVGD: "Class C0"). This variant has not been reported in the literature in individuals with ABCD4-related conditions. This variant is not present in population databases (ExAC no frequency). This sequence change replaces tyrosine with histidine at codon 476 of the ABCD4 protein (p.Tyr476His). The tyrosine residue is highly conserved and there is a moderate physicochemical difference between tyrosine and histidine.

NM_005050.4(ABCD4):c.1426T>C (p.Tyr476His)

Gene: ABCD4 (ATP binding cassette subfamily D member 4; minus strand). Cytogenetic location: 14q24.3.
Variant type: single nucleotide variant.
Coding change: c.1426T>C on transcript NM_005050.4 (MANE Select); coding-DNA position 1426, T replaced by C.
Protein change: p.Tyr476His; replaces tyrosine 476 with histidine.
Molecular consequence: missense variant. On other transcripts: non-coding transcript variant (10).
Genome position (GRCh38, 1-based): chr14:74,289,513, A>G on the plus strand (T>C on the coding strand, the complement: ABCD4 is on the minus strand). VCF-style: chr14-74289513-A-G. GRCh37 (hg19) VCF-style: chr14-74756216-A-G.
Other names: c.1300T>C, p.Tyr434His (NM_001353591.2, NM_001353592.2); c.1165T>C, p.Tyr389His (NM_001353593.2); c.1114T>C, p.Tyr372His (NM_001353594.2); c.1012T>C, p.Tyr338His (NM_001353595.2, NM_001353596.2); c.961T>C, p.Tyr321His (NM_001353597.2); c.949T>C, p.Tyr317His (NM_001353598.2, NM_001353599.2, NM_001353600.2 and 2 more transcripts); c.637T>C, p.Tyr213His (NM_001353602.2, NM_001353603.2, NM_001353604.2 and 6 more transcripts); c.1426T>C, p.Tyr476His (NM_020325.3); short protein forms Y476H, Y321H, Y372H, Y389H, Y213H, Y338H, Y317H, Y434H.
Identifiers: ClinVar variation 860816 (VCV000860816.9), dbSNP rs1045211254, ClinGen allele CA263582801.